The following is an entry in ClinVar:

NM_139276.3(STAT3):c.373-5G>A

Gene: STAT3 (signal transducer and activator of transcription 3; minus strand). Cytogenetic location: 17q21.2.
Variant type: single nucleotide variant.
Coding change: c.373-5G>A on transcript NM_139276.3 (MANE Select); 5 bases into the intron before coding-DNA position 373, G replaced by A.
Molecular consequence: intron variant.
Genome position (GRCh38, 1-based): chr17:42,339,414, C>T on the plus strand (G>A on the coding strand, the complement: STAT3 is on the minus strand). VCF-style: chr17-42339414-C-T. GRCh37 (hg19) VCF-style: chr17-40491432-C-T.
Other names: c.373-602G>A (NM_001384989.1); c.373-5G>A (NM_001384992.1, NM_001384984.1, NM_001369519.1 and 15 more transcripts); c.295-5G>A (NM_001384985.1).
Identifiers: ClinVar variation 664860 (VCV000664860.10), dbSNP rs950657107, ClinGen allele CA290743588.

ClinVar aggregate classification (germline): Uncertain significance. Review status: criteria provided, multiple submitters, no conflicts (2 of 4 stars). 2 submissions from 2 submitters: Uncertain significance (2). Last evaluated 2025-04-16.

Conditions:
STAT3 gain of function. Identifiers: MedGen C4288261.
Hyper-IgE recurrent infection syndrome 1, autosomal dominant. Also called: JOB SYNDROME; HYPER-IgE SYNDROME 1, AUTOSOMAL DOMINANT, WITH RECURRENT INFECTIONS; STAT3 Hyper IgE Syndrome; Hyper-IgE recurrent infection syndrome 1; Job's Syndrome. Identifiers: Orphanet 2314, MedGen C2936739, MONDO:0007818, OMIM 147060.

Submissions (2):

GeneDx
Classification: Uncertain significance. Last evaluated: 2025-04-16. Review status: criteria provided, single submitter. Criteria: GeneDx Variant Classification Process June 2021. Collection method: clinical testing. Allele origin: germline. Affected: yes.
Comment: Not observed in large population cohorts (gnomAD); In silico analysis supports a deleterious effect on splicing; Has not been previously published as pathogenic or benign to our knowledge; This variant is associated with the following publications: (PMID: 17676033, 18602572)

Labcorp Genetics (formerly Invitae), Labcorp
Classification: Uncertain significance for STAT3 gain of function; Hyper-IgE recurrent infection syndrome 1, autosomal dominant. Last evaluated: 2018-10-14. Review status: criteria provided, single submitter. Criteria: Invitae Variant Classification Sherloc (09022015). Collection method: clinical testing. Allele origin: germline.
Comment: This variant is not present in population databases (ExAC no frequency). This sequence change falls in intron 4 of the STAT3 gene. It does not directly change the encoded amino acid sequence of the STAT3 protein. This variant has not been reported in the literature in individuals with STAT3-related disease. In summary, the available evidence is currently insufficient to determine the role of this variant in disease. Therefore, it has been classified as a Variant of Uncertain Significance. Algorithms developed to predict the effect of sequence changes on RNA splicing suggest that this variant may disrupt the consensus splice site, but this prediction has not been confirmed by published transcriptional studies.